The following is an entry in ClinVar:

ClinVar aggregate classification (germline): Benign/Likely benign. Review status: criteria provided, multiple submitters, no conflicts (2 of 4 stars). 3 submissions from 3 submitters: Benign (1); Likely benign (2). Last evaluated 2024-11-24.

Conditions:
Hereditary cancer-predisposing syndrome. Also called: Tumor predisposition; Hereditary Cancer Syndrome; Hereditary neoplastic syndrome; Neoplastic Syndromes, Hereditary. Identifiers: Orphanet 140162, MedGen C0027672, MeSH D009386, MONDO:0015356.
Hereditary diffuse gastric adenocarcinoma (HDGC). Also called: DIFFUSE GASTRIC AND LOBULAR BREAST CANCER SYNDROME. Identifiers: Orphanet 26106, MedGen C1708349, MONDO:0007648, OMIM 137215.

Submissions (3):

Labcorp Genetics (formerly Invitae), Labcorp
Classification: Likely benign. Last evaluated: 2024-11-24. Review status: criteria provided, single submitter. Criteria: Invitae Variant Classification Sherloc (09022015). Collection method: clinical testing. Allele origin: germline.

Myriad Genetics, Inc.
Classification: Benign for Hereditary diffuse gastric adenocarcinoma. Last evaluated: 2024-10-11. Review status: criteria provided, single submitter. Criteria: Myriad Autosomal Dominant, Autosomal Recessive and X-Linked Classification Criteria (2023). Collection method: clinical testing. Allele origin: unknown.
Comment: This variant is considered benign. This variant is a silent/synonymous amino acid change and it is not expected to impact splicing.

Ambry Genetics
Classification: Likely benign for Hereditary cancer-predisposing syndrome. Last evaluated: 2021-12-18. Review status: criteria provided, single submitter. Criteria: Ambry Variant Classification Scheme 2023. Collection method: clinical testing. Allele origin: germline.

NM_001903.5(CTNNA1):c.1719G>A (p.Leu573=)

Gene: CTNNA1 (catenin alpha 1; plus strand). Cytogenetic location: 5q31.2.
Variant type: single nucleotide variant.
Coding change: c.1719G>A on transcript NM_001903.5 (MANE Select); coding-DNA position 1719, G replaced by A.
Protein change: p.Leu573=; no amino-acid change (leucine 573 retained).
Molecular consequence: synonymous variant.
Genome position (GRCh38, 1-based): chr5:138,924,682, G>A. VCF-style: chr5-138924682-G-A. GRCh37 (hg19) VCF-style: chr5-138260371-G-A.
Other names: c.1719G>A, p.Leu573= (NM_001290307.3, NM_001323982.2, NM_001323983.1 and 2 more transcripts); c.1410G>A, p.Leu470= (NM_001290309.3); c.1350G>A, p.Leu450= (NM_001290310.3); c.609G>A, p.Leu203= (NM_001290312.1, NM_001323987.1, NM_001323988.1 and 17 more transcripts); c.1626G>A, p.Leu542= (NM_001323986.2); c.270G>A, p.Leu90= (NM_001324006.1, NM_001324007.1, NM_001324008.1 and 2 more transcripts); c.516G>A, p.Leu172= (NM_001324011.1); c.366G>A, p.Leu122= (NM_001324012.1, NM_001324013.1).
Identifiers: ClinVar variation 1541384 (VCV001541384.11), dbSNP rs2150289767, ClinGen allele CA446597107.